The following is an entry in ClinVar:

NM_002432.3(MNDA):c.1016A>G (p.Tyr339Cys)

Gene: MNDA (myeloid cell nuclear differentiation antigen; plus strand). Cytogenetic location: 1q23.1.
Variant type: single nucleotide variant.
Coding change: c.1016A>G on transcript NM_002432.3 (MANE Select); coding-DNA position 1016, A replaced by G.
Protein change: p.Tyr339Cys; replaces tyrosine 339 with cysteine.
Molecular consequence: missense variant.
Genome position (GRCh38, 1-based): chr1:158,847,756, A>G. VCF-style: chr1-158847756-A-G. GRCh37 (hg19) VCF-style: chr1-158817546-A-G.
Other names: short protein forms Y339C.
Identifiers: ClinVar variation 1744146 (VCV001744146.2), dbSNP rs757498729, ClinGen allele CA1185775.

ClinVar aggregate classification (germline): Uncertain significance (1 of 4 stars; one submission).

Allele frequency attached by ClinVar (database versions not stated): gnomAD exomes 0.00001; ExAC 0.00002.
gnomAD v4.1: 5 of 1,613,040 alleles (0.00031%); highest among the groups gnomAD compares: South Asian, 0.0055%; no homozygotes.

Submission:

Ambry Genetics
Classification: Uncertain significance. Last evaluated: 2022-08-12. Review status: criteria provided, single submitter. Criteria: Ambry Variant Classification Scheme 2023. Collection method: clinical testing. Allele origin: germline.
Comment: The p.Y339C variant (also known as c.1016A>G), located in coding exon 5 of the MNDA gene, results from an A to G substitution at nucleotide position 1016. The tyrosine at codon 339 is replaced by cysteine, an amino acid with highly dissimilar properties. This amino acid position is conserved. In addition, the in silico prediction for this alteration is inconclusive. Since supporting evidence is limited at this time, the clinical significance of this alteration remains unclear.